The following is an entry in ClinVar:

ClinVar aggregate classification (germline): Pathogenic (1 of 4 stars; one submission).

Submission:

Labcorp Genetics (formerly Invitae), Labcorp
Classification: Pathogenic. Last evaluated: 2022-09-21. Review status: criteria provided, single submitter. Criteria: Invitae Variant Classification Sherloc (09022015). Collection method: clinical testing. Allele origin: germline.
Comment: This variant has not been reported in the literature in individuals affected with FKBP10-related conditions. For these reasons, this variant has been classified as Pathogenic. This variant is not present in population databases (gnomAD no frequency). This sequence change creates a premature translational stop signal (p.Ala4Argfs*155) in the FKBP10 gene. It is expected to result in an absent or disrupted protein product. Loss-of-function variants in FKBP10 are known to be pathogenic (PMID: 22689593, 22949511).

Literature cited by the submitters: PubMed 22689593; PubMed 22949511.

NM_021939.4(FKBP10):c.9del (p.Ala4fs)

Gene: FKBP10 (FKBP prolyl isomerase 10; plus strand). Cytogenetic location: 17q21.2.
Variant type: Deletion.
Coding change: c.9del on transcript NM_021939.4 (MANE Select); coding-DNA position 9, one base deleted (C; older notation c.9delC).
Protein change: p.Ala4fs; shifts the reading frame from alanine 4.
Molecular consequence: frameshift variant.
Genome position (GRCh38, 1-based): chr17:41,813,043, C deleted; the last of 4 consecutive C bases (chr17:41,813,040-41,813,043); deleting any one gives the same sequence. VCF-style (leftmost placement, unchanged base first): chr17-41813039-TC-T. GRCh37 (hg19) VCF-style: chr17-39969291-TC-T.
Other names: short protein forms A4fs.
Identifiers: ClinVar variation 2031705 (VCV002031705.4), dbSNP rs2544421308, ClinGen allele CA2580093699.